The following is an entry in ClinVar:

ClinVar aggregate classification (germline): Uncertain significance (1 of 4 stars; one submission).

Conditions:
Pierpont syndrome (PRPTS). Identifiers: Orphanet 487825, MedGen C1865644, MONDO:0011213, OMIM 602342.

Allele frequency attached by ClinVar (database versions not stated): gnomAD exomes below 0.00001; gnomAD 0.00001; TOPMed 0.00001.
gnomAD v4.1: 4 of 1,601,460 alleles (0.00025%); highest among the groups gnomAD compares: African/African-American, 0.004%; no homozygotes.

Submission:

Labcorp Genetics (formerly Invitae), Labcorp
Classification: Uncertain significance for Pierpont syndrome. Last evaluated: 2024-10-30. Review status: criteria provided, single submitter. Criteria: Invitae Variant Classification Sherloc (09022015). Collection method: clinical testing. Allele origin: germline.
Comment: This sequence change replaces asparagine, which is neutral and polar, with histidine, which is basic and polar, at codon 410 of the TBL1XR1 protein (p.Asn410His). This variant is not present in population databases (gnomAD no frequency). This variant has not been reported in the literature in individuals affected with TBL1XR1-related conditions. ClinVar contains an entry for this variant (Variation ID: 1007385). An algorithm developed to predict the effect of missense changes on protein structure and function (PolyPhen-2) suggests that this variant is likely to be disruptive. In summary, the available evidence is currently insufficient to determine the role of this variant in disease. Therefore, it has been classified as a Variant of Uncertain Significance.

NM_024665.7(TBL1XR1):c.1228A>C (p.Asn410His)

Gene: TBL1XR1 (TBL1X/Y related 1; minus strand). Cytogenetic location: 3q26.32.
Variant type: single nucleotide variant.
Coding change: c.1228A>C on transcript NM_024665.7 (MANE Select); coding-DNA position 1228, A replaced by C.
Protein change: p.Asn410His; replaces asparagine 410 with histidine.
Molecular consequence: missense variant.
Genome position (GRCh38, 1-based): chr3:177,034,220, T>G on the plus strand (A>C on the coding strand, the complement: TBL1XR1 is on the minus strand). VCF-style: chr3-177034220-T-G. GRCh37 (hg19) VCF-style: chr3-176752008-T-G.
Other names: c.1228A>C, p.Asn410His (NM_001321193.3, NM_001321194.3, NM_001374327.1 and 2 more transcripts); c.967A>C, p.Asn323His (NM_001321195.3, NM_001374330.1); short protein forms N323H, N410H.
Identifiers: ClinVar variation 1007385 (VCV001007385.10), dbSNP rs954146086, ClinGen allele CA89087178.
Genomic context (GRCh38, chr3:177,034,220, plus strand): 5'-GAAGACTCATAAAAGGAAAAATGAAACAGAAGTATCACCTTGCTAACATAAGGTTGGCAT[T>G]TGGATTATTAGTCCCTGGTCCTGTTGGACTCCATTTGATAGTATAAATTTCTTTATTATG-3'
Protein context (NP_078941.2, residues 400-420): SPTGPGTNNP[Asn410His]ANLMLASASF